The following is an entry in ClinVar:

NM_006831.3(CLP1):c.878G>C (p.Arg293Pro)

Gene: CLP1 (cleavage factor polyribonucleotide kinase subunit 1; plus strand). Cytogenetic location: 11q12.1.
Variant type: single nucleotide variant.
Coding change: c.878G>C on transcript NM_006831.3 (MANE Select); coding-DNA position 878, G replaced by C.
Protein change: p.Arg293Pro; replaces arginine 293 with proline.
Molecular consequence: missense variant.
Genome position (GRCh38, 1-based): chr11:57,661,036, G>C. VCF-style: chr11-57661036-G-C. GRCh37 (hg19) VCF-style: chr11-57428508-G-C.
Other names: c.686G>C, p.Arg229Pro (NM_001142597.2); short protein forms R229P, R293P.
Identifiers: ClinVar variation 2826429 (VCV002826429.3), dbSNP rs1205528813, ClinGen allele CA380699454.

ClinVar aggregate classification (germline): Uncertain significance (1 of 4 stars; one submission).

Submission:

Labcorp Genetics (formerly Invitae), Labcorp
Classification: Uncertain significance. Last evaluated: 2023-01-15. Review status: criteria provided, single submitter. Criteria: Invitae Variant Classification Sherloc (09022015). Collection method: clinical testing. Allele origin: germline.
Comment: Advanced modeling of protein sequence and biophysical properties (such as structural, functional, and spatial information, amino acid conservation, physicochemical variation, residue mobility, and thermodynamic stability) performed at Invitae indicates that this missense variant is expected to disrupt CLP1 protein function. In summary, the available evidence is currently insufficient to determine the role of this variant in disease. Therefore, it has been classified as a Variant of Uncertain Significance. This variant has not been reported in the literature in individuals affected with CLP1-related conditions. This variant is not present in population databases (gnomAD no frequency). This sequence change replaces arginine, which is basic and polar, with proline, which is neutral and non-polar, at codon 293 of the CLP1 protein (p.Arg293Pro).